The following is an entry in ClinVar:

NM_016373.4(WWOX):c.711C>G (p.Phe237Leu)

Gene: WWOX (WW domain containing oxidoreductase; plus strand). Cytogenetic location: 16q23.1.
Variant type: single nucleotide variant.
Coding change: c.711C>G on transcript NM_016373.4 (MANE Select); coding-DNA position 711, C replaced by G.
Protein change: p.Phe237Leu; replaces phenylalanine 237 with leucine.
Molecular consequence: missense variant.
Genome position (GRCh38, 1-based): chr16:78,424,975, C>G. VCF-style: chr16-78424975-C-G. GRCh37 (hg19) VCF-style: chr16-78458872-C-G.
Other names: c.372C>G, p.Phe124Leu (NM_001291997.2); c.711C>G (NM_016373.3); short protein forms F124L, F237L.
Identifiers: ClinVar variation 1026733 (VCV001026733.9), dbSNP rs769589145, ClinGen allele CA8183425.
Genomic context (GRCh38, chr16:78,424,975, plus strand): 5'-CTGGAGTCTCACCAAAGATGGCCTGGAGACCACCTTTCAAGTGAATCATCTGGGGCACTT[C>G]TACCTTGTCCAGCTCCTCCAGGATGTTTTGTGCCGCTCAGCTCCTGCCCGTGTCATTGTG-3'
Protein context (NP_057457.1, residues 227-247): TTFQVNHLGH[Phe237Leu]YLVQLLQDVL

ClinVar aggregate classification (germline): Uncertain significance. Review status: criteria provided, multiple submitters, no conflicts (2 of 4 stars). 5 submissions from 5 submitters: Uncertain significance (5). Last evaluated 2025-08-03.

Conditions:
Developmental and epileptic encephalopathy, 1 (DEE1). Also called: X-linked infantile spasms; West's syndrome; Tonic spasms with clustering, arrest of psychomotor development and hypsarrhythmia on EEG; X-Linked Infantile Spasm Syndrome; OHTAHARA SYNDROME, X-LINKED; INFANTILE SPASM SYNDROME, X-LINKED 1. Identifiers: MedGen C3463992, MONDO:0010632, OMIM 308350. Disease mechanism: loss of function.
Autosomal recessive spinocerebellar ataxia 12. Also called: SPINOCEREBELLAR ATAXIA WITH MENTAL RETARDATION AND EPILEPSY. Identifiers: Orphanet 284282, MedGen C3280452, MONDO:0013687, OMIM 614322.
Inborn genetic diseases. Identifiers: MedGen C0950123, MeSH D030342.

Allele frequency attached by ClinVar (database versions not stated): TOPMed 0.00001; ExAC 0.00009.
gnomAD v4.1: 42 of 1,614,076 alleles (0.0026%); highest among the groups gnomAD compares: South Asian, 0.029%; no homozygotes.

Submissions (5):

Ambry Genetics
Classification: Uncertain significance for Inborn genetic diseases. Last evaluated: 2025-08-03. Review status: criteria provided, single submitter. Criteria: Ambry Variant Classification Scheme 2023. Collection method: clinical testing. Allele origin: germline.

GeneDx
Classification: Uncertain significance. Last evaluated: 2022-10-24. Review status: criteria provided, single submitter. Criteria: GeneDx Variant Classification Process June 2021. Collection method: clinical testing. Allele origin: germline. Affected: yes.
Comment: In silico analysis supports that this missense variant has a deleterious effect on protein structure/function; Has not been previously published as pathogenic or benign to our knowledge; This variant is associated with the following publications: (PMID: 25411445)

Athena Diagnostics
Classification: Uncertain significance. Last evaluated: 2022-03-31. Review status: criteria provided, single submitter. Criteria: Athena Diagnostics Criteria. Collection method: clinical testing. Allele origin: unknown.

Labcorp Genetics (formerly Invitae), Labcorp
Classification: Uncertain significance for Developmental and epileptic encephalopathy, 1; Autosomal recessive spinocerebellar ataxia 12. Last evaluated: 2021-09-08. Review status: criteria provided, single submitter. Criteria: Invitae Variant Classification Sherloc (09022015). Collection method: clinical testing. Allele origin: germline.

Breakthrough Genomics
Classification: Uncertain significance. Review status: criteria provided, single submitter. Criteria: ACMG Guidelines, 2015. Collection method: not provided. Allele origin: germline. Inheritance: Autosomal recessive inheritance. Affected: yes.